The following is an entry in ClinVar:

ClinVar aggregate classification (germline): Uncertain significance (1 of 4 stars; one submission).

Conditions:
Hereditary cancer-predisposing syndrome. Also called: Hereditary Cancer Syndrome; Hereditary neoplastic syndrome; Neoplastic Syndromes, Hereditary; Tumor predisposition. Identifiers: Orphanet 140162, MedGen C0027672, MeSH D009386, MONDO:0015356.

Allele frequency attached by ClinVar (database versions not stated): gnomAD exomes below 0.00001; ExAC 0.00001.
gnomAD v4.1: 1 of 1,614,014 alleles (0.000062%); highest among the groups gnomAD compares: South Asian, 0.0011%; no homozygotes.

Submission:

Ambry Genetics
Classification: Uncertain significance for Hereditary cancer-predisposing syndrome. Last evaluated: 2026-08-06. Review status: criteria provided, single submitter. Criteria: Ambry Variant Classification Scheme 2023. Collection method: clinical testing. Allele origin: germline.
Comment: The p.S1389* variant (also known as c.4166C>G), located in coding exon 20 of the MET gene, results from a C to G substitution at nucleotide position 4166. This changes the amino acid from a serine to a stop codon within coding exon 20. This variant occurs at the 3' terminus of the gene and is not expected to trigger nonsense-mediated mRNA decay. Based on the available evidence, the clinical significance of this variant remains unclear.

NM_000245.4(MET):c.4112C>G (p.Ser1371Ter)

Gene: MET (MET proto-oncogene, receptor tyrosine kinase; plus strand). Cytogenetic location: 7q31.2.
Variant type: single nucleotide variant.
Coding change: c.4112C>G on transcript NM_000245.4 (MANE Select); coding-DNA position 4112, C replaced by G.
Protein change: p.Ser1371Ter; replaces serine 1371 with a stop codon.
Molecular consequence: nonsense.
Genome position (GRCh38, 1-based): chr7:116,796,063, C>G. VCF-style: chr7-116796063-C-G. GRCh37 (hg19) VCF-style: chr7-116436117-C-G.
Other names: c.4166C>G, p.Ser1389Ter (NM_001127500.3); c.2822C>G, p.Ser941Ter (NM_001324402.2); short protein forms S1389*, S941*, S1371*.
Identifiers: ClinVar variation 2567676 (VCV002567676.3), dbSNP rs781433659, ClinGen allele CA4448829.